The following is an entry in ClinVar:

ClinVar aggregate classification (germline): Uncertain significance (1 of 4 stars; one submission).

Conditions:
Cardiovascular phenotype. Identifiers: MedGen CN230736.

gnomAD v4.1: 2 of 1,611,078 alleles (0.00012%); highest among the groups gnomAD compares: East Asian, 0.0045%; no homozygotes.

Submission:

Ambry Genetics
Classification: Uncertain significance for Cardiovascular phenotype. Last evaluated: 2024-03-30. Review status: criteria provided, single submitter. Criteria: Ambry Variant Classification Scheme 2023. Collection method: clinical testing. Allele origin: germline.
Comment: The p.E138K variant (also known as c.412G>A), located in coding exon 9 of the MFAP5 gene, results from a G to A substitution at nucleotide position 412. The glutamic acid at codon 138 is replaced by lysine, an amino acid with similar properties. This amino acid position is conserved. In addition, this alteration is predicted to be deleterious by in silico analysis. Based on the available evidence, the clinical significance of this alteration remains unclear.

NM_003480.4(MFAP5):c.412G>A (p.Glu138Lys)

Genes: MFAP5 (microfibril associated protein 5; minus strand), LOC126861443 (BRD4-independent group 4 enhancer GRCh37_chr12:8800473-8801672; plus strand). Cytogenetic location: 12p13.31.
Variant type: single nucleotide variant.
Coding change: c.412G>A on transcript NM_003480.4 (MANE Select); coding-DNA position 412, G replaced by A.
Protein change: p.Glu138Lys; replaces glutamic acid 138 with lysine.
Molecular consequence: missense variant. On other transcripts: non-coding transcript variant (2).
Genome position (GRCh38, 1-based): chr12:8,648,201, C>T on the plus strand (G>A on the coding strand, the complement: MFAP5 is on the minus strand). VCF-style: chr12-8648201-C-T. GRCh37 (hg19) VCF-style: chr12-8800797-C-T.
Other names: c.382G>A, p.Glu128Lys (NM_001297709.2); c.346G>A, p.Glu116Lys (NM_001297710.2); c.337G>A, p.Glu113Lys (NM_001297711.2); c.220G>A, p.Glu74Lys (NM_001297712.2); short protein forms E113K, E74K, E116K, E128K, E138K.
Identifiers: ClinVar variation 3294501 (VCV003294501.1).